The following is an entry in ClinVar:

NM_000038.6(APC):c.3978G>A (p.Val1326=)

Gene: APC (APC regulator of Wnt signaling pathway; plus strand). Cytogenetic location: 5q22.2.
Variant type: single nucleotide variant.
Coding change: c.3978G>A on transcript NM_000038.6 (MANE Select); coding-DNA position 3978, G replaced by A.
Protein change: p.Val1326=; no amino-acid change (valine 1326 retained).
Molecular consequence: synonymous variant. On other transcripts: non-coding transcript variant (2).
Genome position (GRCh38, 1-based): chr5:112,839,572, G>A. VCF-style: chr5-112839572-G-A. GRCh37 (hg19) VCF-style: chr5-112175269-G-A.
Other names: c.3978G>A, p.Val1326= (NM_001127510.3, NM_001354895.2, NM_001407450.1); c.3924G>A, p.Val1308= (NM_001127511.3); c.4032G>A, p.Val1344= (NM_001354896.2, NM_001407447.1, NM_001407448.1 and 1 more transcripts); c.4008G>A, p.Val1336= (NM_001354897.2); c.3903G>A, p.Val1301= (NM_001354898.2); c.3894G>A, p.Val1298= (NM_001354899.2); c.3855G>A, p.Val1285= (NM_001354900.2); c.3801G>A, p.Val1267= (NM_001354901.2, NM_001407453.1); and 11 more.
Identifiers: ClinVar variation 3148292 (VCV003148292.1), dbSNP rs2149903342, ClinGen allele CA445963982.

ClinVar aggregate classification (germline): Benign (1 of 4 stars; one submission).

Conditions:
Familial adenomatous polyposis 1 (FAP1). Also called: POLYPOSIS, ADENOMATOUS INTESTINAL; FAMILIAL ADENOMATOUS POLYPOSIS 1, ATTENUATED. Identifiers: MedGen C2713442, MONDO:0021056, OMIM 175100. Disease mechanism: loss of function.

Submission:

Myriad Genetics, Inc.
Classification: Benign for Familial adenomatous polyposis 1. Last evaluated: 2024-03-25. Review status: criteria provided, single submitter. Criteria: Myriad Autosomal Dominant, Autosomal Recessive and X-Linked Classification Criteria (2023). Collection method: clinical testing. Allele origin: unknown.
Comment: This variant is considered benign. This variant is a silent/synonymous amino acid change and it is not expected to impact splicing.